The following is an entry in ClinVar:

NM_015450.3(POT1):c.521T>G (p.Val174Gly)

Gene: POT1 (protection of telomeres 1; minus strand). Cytogenetic location: 7q31.33.
Variant type: single nucleotide variant.
Coding change: c.521T>G on transcript NM_015450.3 (MANE Select); coding-DNA position 521, T replaced by G.
Protein change: p.Val174Gly; replaces valine 174 with glycine.
Molecular consequence: missense variant. On other transcripts: non-coding transcript variant (3).
Genome position (GRCh38, 1-based): chr7:124,863,375, A>C on the plus strand (T>G on the coding strand, the complement: POT1 is on the minus strand). VCF-style: chr7-124863375-A-C. GRCh37 (hg19) VCF-style: chr7-124503429-A-C.
Other names: c.128T>G, p.Val43Gly (NM_001042594.2); short protein forms V174G, V43G.
Identifiers: ClinVar variation 1450305 (VCV001450305.8), dbSNP rs2116541364, ClinGen allele CA369058708.

ClinVar aggregate classification (germline): Uncertain significance (1 of 4 stars; one submission).

Conditions:
Tumor predisposition syndrome 3 (TPDS3). Also called: LONG TELOMERE SYNDROME, POT1-RELATED; POT1 Tumor Predisposition; Glioma susceptibility 9; Melanoma, cutaneous malignant, susceptibility to, 10. Identifiers: Orphanet 618, MedGen C4014476, MONDO:0014368, OMIM 615848.

Submission:

Labcorp Genetics (formerly Invitae), Labcorp
Classification: Uncertain significance for Tumor predisposition syndrome 3. Last evaluated: 2025-02-25. Review status: criteria provided, single submitter. Criteria: Invitae Variant Classification Sherloc (09022015). Collection method: clinical testing. Allele origin: germline.
Comment: This sequence change replaces valine, which is neutral and non-polar, with glycine, which is neutral and non-polar, at codon 174 of the POT1 protein (p.Val174Gly). This variant is not present in population databases (gnomAD no frequency). This variant has not been reported in the literature in individuals affected with POT1-related conditions. ClinVar contains an entry for this variant (Variation ID: 1450305). Invitae Evidence Modeling of protein sequence and biophysical properties (such as structural, functional, and spatial information, amino acid conservation, physicochemical variation, residue mobility, and thermodynamic stability) indicates that this missense variant is not expected to disrupt POT1 protein function with a negative predictive value of 80%. In summary, the available evidence is currently insufficient to determine the role of this variant in disease. Therefore, it has been classified as a Variant of Uncertain Significance.